The following is an entry in ClinVar:

ClinVar aggregate classification (germline): Uncertain significance (1 of 4 stars; one submission).

Conditions:
Inborn genetic diseases. Identifiers: MedGen C0950123, MeSH D030342.

gnomAD v4.1: 1 of 1,593,370 alleles (0.000063%); highest among the groups gnomAD compares: Non-Finnish European, 0.000086%; no homozygotes.

Submission:

Ambry Genetics
Classification: Uncertain significance for Inborn genetic diseases. Last evaluated: 2026-07-20. Review status: criteria provided, single submitter. Criteria: Ambry Variant Classification Scheme 2023. Collection method: clinical testing. Allele origin: germline.
Comment: The c.1148T>G (p.L383W) alteration is located in exon 8 (coding exon 8) of the GRIK2 gene. This alteration results from a T to G substitution at nucleotide position 1148, causing the leucine (L) at amino acid position 383 to be replaced by a tryptophan (W). Based on data from gnomAD, the G allele has an overall frequency of <0.001% (1/243732) total alleles studied. The highest observed frequency was 0.001% (1/111436) of European (non-Finnish) alleles. Based on insufficient or conflicting evidence, the clinical significance of this alteration remains unclear.

NM_021956.5(GRIK2):c.1148T>G (p.Leu383Trp)

Gene: GRIK2 (glutamate ionotropic receptor kainate type subunit 2; plus strand). Cytogenetic location: 6q16.3.
Variant type: single nucleotide variant.
Coding change: c.1148T>G on transcript NM_021956.5 (MANE Select); coding-DNA position 1148, T replaced by G.
Protein change: p.Leu383Trp; replaces leucine 383 with tryptophan.
Molecular consequence: missense variant.
Genome position (GRCh38, 1-based): chr6:101,802,383, T>G. VCF-style: chr6-101802383-T-G. GRCh37 (hg19) VCF-style: chr6-102250258-T-G.
Other names: c.1148T>G, p.Leu383Trp (NM_001166247.1, NM_175768.3); short protein forms L383W.
Identifiers: ClinVar variation 5022526 (VCV005022526.1).
Genomic context (GRCh38, chr6:101,802,383, plus strand): 5'-TCCCATAGGCACATTGGGAAGGCCTCACAGGCAGAATAACTTTCAACAAAACCAATGGCT[T>G]GAGAACAGATTTTGATTTGGATGTGATCAGTCTGAAGGAAGAAGGTCTAGAAAAGGTATT-3'
Protein context (NP_068775.1, residues 373-393): GRITFNKTNG[Leu383Trp]RTDFDLDVIS